The following is an entry in ClinVar:

NM_003737.4(DCHS1):c.1492C>T (p.Arg498Trp)

Gene: DCHS1 (dachsous cadherin-related 1; minus strand). Cytogenetic location: 11p15.4.
Variant type: single nucleotide variant.
Coding change: c.1492C>T on transcript NM_003737.4 (MANE Select); coding-DNA position 1492, C replaced by T.
Protein change: p.Arg498Trp; replaces arginine 498 with tryptophan.
Molecular consequence: missense variant.
Genome position (GRCh38, 1-based): chr11:6,640,122, G>A on the plus strand (C>T on the coding strand, the complement: DCHS1 is on the minus strand). VCF-style: chr11-6640122-G-A. GRCh37 (hg19) VCF-style: chr11-6661353-G-A.
Other names: c.1492C>T (NM_003737.3, NM_003737.2); short protein forms R498W.
Identifiers: ClinVar variation 1081853 (VCV001081853.12), dbSNP rs200084780, ClinGen allele CA5860958.

ClinVar aggregate classification (germline): Conflicting classifications of pathogenicity. Review status: criteria provided, conflicting classifications (1 of 4 stars). 4 submissions from 4 submitters: Uncertain significance (3); Likely benign (1). Last evaluated 2025-12-23.

Conditions:
Inborn genetic diseases. Identifiers: MedGen C0950123, MeSH D030342.
Congenital heart disease (CHD). Identifiers: MedGen C0152021, MONDO:0005453. Disease mechanism: unknown.

Allele frequency attached by ClinVar (database versions not stated): gnomAD exomes 0.00003 and 0.00004; ExAC 0.00008; ESP Exome Variant Server 0.00008; 1000 Genomes Project 30x 0.00031; 1000 Genomes Project 0.00040.

Submissions (4):

Labcorp Genetics (formerly Invitae), Labcorp
Classification: Likely benign. Last evaluated: 2025-12-23. Review status: criteria provided, single submitter. Criteria: Invitae Variant Classification Sherloc (09022015). Collection method: clinical testing. Allele origin: germline.

GeneDx
Classification: Uncertain significance. Last evaluated: 2025-05-03. Review status: criteria provided, single submitter. Criteria: GeneDx Variant Classification Process June 2021. Collection method: clinical testing. Allele origin: germline. Affected: yes.
Comment: In silico analysis supports that this missense variant has a deleterious effect on protein structure/function; Has not been previously published as pathogenic or benign to our knowledge

Ambry Genetics
Classification: Uncertain significance for Inborn genetic diseases. Last evaluated: 2023-12-28. Review status: criteria provided, single submitter. Criteria: Ambry Variant Classification Scheme 2023. Collection method: clinical testing. Allele origin: germline.

Department of Pathology and Laboratory Medicine, Sinai Health System
Classification: Uncertain significance for congenital heart disease. Last evaluated: 2020-08-17. Review status: criteria provided, single submitter. Criteria: ACMG Guidelines, 2015. Collection method: research. Allele origin: germline.